The following is an entry in ClinVar:

ClinVar aggregate classification (germline): Conflicting classifications of pathogenicity. Review status: criteria provided, conflicting classifications (1 of 4 stars). 5 submissions from 5 submitters: Uncertain significance (3); Likely benign (2). Last evaluated 2026-02-03.

Conditions:
Familial cancer of breast. Also called: Hereditary breast cancer; BREAST CANCER, FAMILIAL; hereditary breast carcinoma. Identifiers: Orphanet 227535, MedGen C0346153, MONDO:0016419, OMIM 114480. Disease mechanism: loss of function.
Breast-ovarian cancer, familial, susceptibility to, 2 (BROVCA2). Also called: BRCA2 Hereditary Breast and Ovarian Cancer. Identifiers: Orphanet 145, MedGen C2675520, MONDO:0012933, OMIM 612555. Disease mechanism: loss of function.
Medulloblastoma (MDB). Also called: MEDULLOBLASTOMA PREDISPOSITION SYNDROME; Medulloblastoma, somatic. Identifiers: Orphanet 616, MedGen C0025149, MeSH D008527, MONDO:0007959, OMIM 155255, HP:0002885.
Fanconi anemia complementation group D1. Also called: BRCA2-Related Fanconi Anemia. Identifiers: Orphanet 319462, MedGen C1838457, MONDO:0011584, OMIM 605724.
Prostate cancer. Also called: Malignant tumor of prostate. Identifiers: Orphanet 1331, MedGen C0376358, MONDO:0008315, HP:0012125.
Pancreatic cancer, susceptibility to, 2. Identifiers: Orphanet 1333, MedGen C3150546, MONDO:0013235, OMIM 613347.
Glioma susceptibility 3 (GLM3). Also called: Glioblastoma 3. Identifiers: Orphanet 182067, Orphanet 360, MedGen C2751641, MONDO:0013093, OMIM 613029.
Wilms tumor 1 (WT1). Also called: Wilms tumor, somatic. Identifiers: Orphanet 654, MedGen CN033288, MONDO:0008679, OMIM 194070.
Hereditary cancer-predisposing syndrome. Also called: Neoplastic Syndromes, Hereditary; Hereditary Cancer Syndrome; Hereditary neoplastic syndrome; Tumor predisposition. Identifiers: Orphanet 140162, MedGen C0027672, MeSH D009386, MONDO:0015356.
Hereditary breast ovarian cancer syndrome. Also called: Breast and ovarian cancer; Hereditary breast and/or ovarian cancer syndrome; Hereditary breast and ovarian cancer syndrome; Hereditary breast and ovarian cancer syndrome (HBOC); Hereditary breast and ovarian cancer; BRCA1- and BRCA2-Associated Hereditary Breast and Ovarian Cancer. Identifiers: Orphanet 145, MedGen C0677776, MeSH D061325, MONDO:0003582. Disease mechanism: loss of function.

Allele frequency attached by ClinVar (database versions not stated): gnomAD exomes below 0.00001; TOPMed below 0.00001; gnomAD 0.00001.
gnomAD v4.1: 2 of 1,613,622 alleles (0.00012%); highest among the groups gnomAD compares: African/African-American, 0.0027%; no homozygotes.

Submissions (5):

Labcorp Genetics (formerly Invitae), Labcorp
Classification: Uncertain significance for Hereditary breast ovarian cancer syndrome. Last evaluated: 2026-02-03. Review status: criteria provided, single submitter. Criteria: Invitae Variant Classification Sherloc (09022015). Collection method: clinical testing. Allele origin: germline.
Comment: This sequence change replaces glutamic acid, which is acidic and polar, with lysine, which is basic and polar, at codon 1812 of the BRCA2 protein (p.Glu1812Lys). This variant is present in population databases (no rsID available, gnomAD 0.007%). This variant has not been reported in the literature in individuals affected with BRCA2-related conditions. ClinVar contains an entry for this variant (Variation ID: 1171246). Invitae Evidence Modeling of protein sequence and biophysical properties (such as structural, functional, and spatial information, amino acid conservation, physicochemical variation, residue mobility, and thermodynamic stability) indicates that this missense variant is not expected to disrupt BRCA2 protein function with a negative predictive value of 95%. In summary, the available evidence is currently insufficient to determine the role of this variant in disease. Therefore, it has been classified as a Variant of Uncertain Significance.

Color Diagnostics, LLC DBA Color Health
Classification: Uncertain significance for Hereditary cancer-predisposing syndrome. Last evaluated: 2025-12-15. Review status: criteria provided, single submitter. Criteria: ACMG Guidelines, 2015. Collection method: clinical testing. Allele origin: germline.
Comment: This missense variant replaces glutamic acid with lysine at codon 1812 of the BRCA2 protein. Computational prediction suggests that this variant may not impact protein structure and function. To our knowledge, functional studies have not been reported for this variant. This variant has not been reported in individuals affected with BRCA2-related disorders in the literature. This variant has been detected in 1 individual older than age 70 years who has never had cancer (FLOSSIES database). This variant has been identified in 2/1613622 chromosomes in the general population by the Genome Aggregation Database (gnomAD). The available evidence is insufficient to determine the role of this variant in disease conclusively. Therefore, this variant is classified as a Variant of Uncertain Significance.

Ambry Genetics
Classification: Likely benign for Hereditary cancer-predisposing syndrome. Last evaluated: 2025-05-23. Review status: criteria provided, single submitter. Criteria: Ambry Variant Classification Scheme 2023. Collection method: clinical testing. Allele origin: germline.

University of Washington Department of Laboratory Medicine, University of Washington
Classification: Likely benign for Hereditary cancer-predisposing syndrome. Last evaluated: 2023-03-23. Review status: criteria provided, single submitter. Criteria: Dines et al. (Genet Med. 2020). Collection method: curation. Allele origin: germline.
Comment: Missense variant in a coldspot region where missense variants are very unlikely to be pathogenic (PMID:31911673).

BRCA2 exon 11 coldspot. Reclassification based on statistical prior probability.

Fulgent Genetics
Classification: Uncertain significance for Familial cancer of breast; Medulloblastoma; Familial prostate cancer; Wilms tumor 1; Fanconi anemia complementation group D1; Breast-ovarian cancer, familial, susceptibility to, 2; Glioma susceptibility 3; Pancreatic cancer, susceptibility to, 2. Last evaluated: 2022-05-11. Review status: criteria provided, single submitter. Criteria: ACMG Guidelines, 2015. Collection method: clinical testing. Allele origin: unknown.

NM_000059.4(BRCA2):c.5434G>A (p.Glu1812Lys)

Gene: BRCA2 (BRCA2 DNA repair associated; plus strand). Cytogenetic location: 13q13.1.
Variant type: single nucleotide variant.
Coding change: c.5434G>A on transcript NM_000059.4 (MANE Select); coding-DNA position 5434, G replaced by A.
Protein change: p.Glu1812Lys; replaces glutamic acid 1812 with lysine.
Molecular consequence: missense variant.
Genome position (GRCh38, 1-based): chr13:32,339,789, G>A. VCF-style: chr13-32339789-G-A. GRCh37 (hg19) VCF-style: chr13-32913926-G-A.
Other names: short protein forms E1812K.
Identifiers: ClinVar variation 1171246 (VCV001171246.8), dbSNP rs80358767, ClinGen allele CA387785496.
Genomic context (GRCh38, chr13:32,339,789, plus strand): 5'-TCCAATGTAAAAGATGCAAATGCATACCCACAAACTGTAAATGAAGATATTTGCGTTGAG[G>A]AACTTGTGACTAGCTCTTCACCCTGCAAAAATAAAAATGCAGCCATTAAATTGTCCATAT-3'
Protein context (NP_000050.3, residues 1802-1822): QTVNEDICVE[Glu1812Lys]LVTSSSPCKN